The following is an entry in ClinVar:

ClinVar aggregate classification (germline): Conflicting classifications of pathogenicity. Review status: criteria provided, conflicting classifications (1 of 4 stars). 3 submissions from 3 submitters: Uncertain significance (2); Likely benign (1). Last evaluated 2026-05-14.

Conditions:
Cardiovascular phenotype. Identifiers: MedGen CN230736.
Dilated cardiomyopathy 1W (CMD1W). Identifiers: Orphanet 154, MedGen C1969639, MONDO:0012667, OMIM 611407.
VCL-related disorder. Also called: VCL-related condition.

Allele frequency attached by ClinVar (database versions not stated): gnomAD 0.00001; gnomAD exomes 0.00001; TOPMed 0.00002.
gnomAD v4.1: 23 of 1,613,310 alleles (0.0014%); highest among the groups gnomAD compares: Non-Finnish European, 0.0019%; no homozygotes.

Submissions (3):

PreventionGenetics, part of Exact Sciences
Classification: Uncertain significance for VCL-related condition. Last evaluated: 2026-05-14. Review status: criteria provided, single submitter. Criteria: ACMG Guidelines, 2015. Collection method: clinical testing. Allele origin: germline.
Comment: The VCL c.655A>G variant is predicted to result in the amino acid substitution p.Lys219Glu. To our knowledge, this variant has not been reported in the literature or in a large population database (gnomAD), indicating this variant is rare. At this time, the clinical significance of this variant is uncertain due to the absence of conclusive functional and genetic evidence.

Ambry Genetics
Classification: Likely benign for Cardiovascular phenotype. Last evaluated: 2026-04-06. Review status: criteria provided, single submitter. Criteria: Ambry Variant Classification Scheme 2023. Collection method: clinical testing. Allele origin: germline.

Labcorp Genetics (formerly Invitae), Labcorp
Classification: Uncertain significance for Dilated cardiomyopathy 1W. Last evaluated: 2025-12-14. Review status: criteria provided, single submitter. Criteria: Invitae Variant Classification Sherloc (09022015). Collection method: clinical testing. Allele origin: germline.
Comment: This sequence change replaces lysine, which is basic and polar, with glutamic acid, which is acidic and polar, at codon 219 of the VCL protein (p.Lys219Glu). This variant is not present in population databases (gnomAD no frequency). This variant has not been reported in the literature in individuals affected with VCL-related conditions. ClinVar contains an entry for this variant (Variation ID: 849435). An algorithm developed to predict the effect of missense changes on protein structure and function (PolyPhen-2) suggests that this variant is likely to be tolerated. In summary, the available evidence is currently insufficient to determine the role of this variant in disease. Therefore, it has been classified as a Variant of Uncertain Significance.

NM_014000.3(VCL):c.655A>G (p.Lys219Glu)

Gene: VCL (vinculin; plus strand). Cytogenetic location: 10q22.2.
Variant type: single nucleotide variant.
Coding change: c.655A>G on transcript NM_014000.3 (MANE Select); coding-DNA position 655, A replaced by G.
Protein change: p.Lys219Glu; replaces lysine 219 with glutamic acid.
Molecular consequence: missense variant.
Genome position (GRCh38, 1-based): chr10:74,074,775, A>G. VCF-style: chr10-74074775-A-G. GRCh37 (hg19) VCF-style: chr10-75834533-A-G.
Other names: c.655A>G, p.Lys219Glu (NM_003373.4); short protein forms K219E.
Identifiers: ClinVar variation 849435 (VCV000849435.9), dbSNP rs1192467361, ClinGen allele CA377268264.